The following is an entry in ClinVar:

ClinVar aggregate classification (germline): Uncertain significance. Review status: criteria provided, multiple submitters, no conflicts (2 of 4 stars). 2 submissions from 2 submitters: Uncertain significance (2). Last evaluated 2022-10-18.

Conditions:
Charcot-Marie-Tooth disease type 2. Also called: Charcot-Marie-Tooth type 2. Identifiers: Orphanet 64746, MedGen C0270914, MONDO:0018993.

Allele frequency attached by ClinVar (database versions not stated): gnomAD exomes below 0.00001; gnomAD 0.00001; TOPMed 0.00001.
gnomAD v4.1: 6 of 1,607,322 alleles (0.00037%); highest among the groups gnomAD compares: South Asian, 0.0033%; no homozygotes.

Submissions (2):

Labcorp Genetics (formerly Invitae), Labcorp
Classification: Uncertain significance for Charcot-Marie-Tooth disease type 2. Last evaluated: 2022-10-18. Review status: criteria provided, single submitter. Criteria: Invitae Variant Classification Sherloc (09022015). Collection method: clinical testing. Allele origin: germline.
Comment: In summary, the available evidence is currently insufficient to determine the role of this variant in disease. Therefore, it has been classified as a Variant of Uncertain Significance. Variants that disrupt the consensus splice site are a relatively common cause of aberrant splicing (PMID: 17576681, 9536098). Algorithms developed to predict the effect of sequence changes on RNA splicing suggest that this variant is not likely to affect RNA splicing. ClinVar contains an entry for this variant (Variation ID: 1409125). This variant has not been reported in the literature in individuals affected with KIF1B-related conditions. This variant is present in population databases (no rsID available, gnomAD 0.003%). This sequence change falls in intron 25 of the KIF1B gene. It does not directly change the encoded amino acid sequence of the KIF1B protein. It affects a nucleotide within the consensus splice site.

Ambry Genetics
Classification: Uncertain significance. Last evaluated: 2021-11-22. Review status: criteria provided, single submitter. Criteria: Ambry Variant Classification Scheme 2023. Collection method: clinical testing. Allele origin: germline.
Comment: The c.2787-3T>C intronic variant results from a T to C substitution 3 nucleotides upstream from coding exon 25 in the KIF1B gene. This nucleotide position is not well conserved in available vertebrate species. In silico splice site analysis predicts that this alteration will not have any significant effect on splicing. Since supporting evidence is limited at this time, the clinical significance of this alteration remains unclear.

Literature cited by the submitters: PubMed 17576681 (cited by Labcorp Genetics (formerly Invitae), Labcorp); PubMed 9536098 (cited by Labcorp Genetics (formerly Invitae), Labcorp).

NM_001365951.3(KIF1B):c.2925-3T>C

Gene: KIF1B (kinesin family member 1B; plus strand). Cytogenetic location: 1p36.22.
Variant type: single nucleotide variant.
Coding change: c.2925-3T>C on transcript NM_001365951.3 (MANE Select); 3 bases into the intron before coding-DNA position 2925, T replaced by C.
Molecular consequence: intron variant.
Genome position (GRCh38, 1-based): chr1:10,334,517, T>C. VCF-style: chr1-10334517-T-C. GRCh37 (hg19) VCF-style: chr1-10394575-T-C.
Other names: c.2787-3T>C (NM_015074.3); c.2925-3T>C (NM_001365952.1).
Identifiers: ClinVar variation 1409125 (VCV001409125.10), dbSNP rs958025550, ClinGen allele CA17840362.